The following is an entry in ClinVar:

ClinVar aggregate classification (germline): Uncertain significance (1 of 4 stars; one submission).

gnomAD v4.1: 3 of 1,613,120 alleles (0.00019%); highest among the groups gnomAD compares: Admixed American, 0.0017%; no homozygotes.

Submission:

CeGaT Center for Human Genetics Tuebingen
Classification: Uncertain significance. Last evaluated: 2024-03-01. Review status: criteria provided, single submitter. Criteria: CeGaT Center For Human Genetics Tuebingen Variant Classification Criteria Version 2. Collection method: clinical testing. Allele origin: germline. Affected: yes. Observed: 1 variant allele.
Comment: SLC6A3: PM2, BP4

NM_001044.5(SLC6A3):c.1398+8C>A

Gene: SLC6A3 (solute carrier family 6 member 3). Cytogenetic location: 5p15.33.
Variant type: single nucleotide variant.
Coding change: c.1398+8C>A on transcript NM_001044.5 (MANE Select); 8 bases into the intron after coding-DNA position 1398, C replaced by A.
Molecular consequence: intron variant.
Genome position (GRCh38, 1-based): chr5:1,409,713, G>T on the plus strand (C>A on the coding strand, the complement: SLC6A3 is on the minus strand). VCF-style: chr5-1409713-G-T. GRCh37 (hg19) VCF-style: chr5-1409828-G-T.
Identifiers: ClinVar variation 3067705 (VCV003067705.21), dbSNP rs1348306522, ClinGen allele CA2673095158.